The following is an entry in ClinVar:

NM_020937.4(FANCM):c.4755_4756del (p.His1585fs)

Gene: FANCM (FA complementation group M; plus strand). Cytogenetic location: 14q21.2.
Variant type: Deletion.
Coding change: c.4755_4756del on transcript NM_020937.4 (MANE Select); coding-DNA positions 4755 to 4756, 2 bases deleted (TA; older notation c.4755_4756delTA).
Protein change: p.His1585fs; shifts the reading frame from histidine 1585.
Molecular consequence: frameshift variant.
Genome position (GRCh38, 1-based): chr14:45,187,863-45,187,864, TA deleted; deleting any 2 consecutive bases within chr14:45,187,862-45,187,864 gives the same sequence; the c. name uses the placement nearest the transcript's 3' end. VCF-style (leftmost placement, unchanged base first): chr14-45187861-CAT-C. GRCh37 (hg19) VCF-style: chr14-45657064-CAT-C.
Other names: c.4677_4678del, p.His1559fs (NM_001308133.2); short protein forms H1559fs, H1585fs.
Identifiers: ClinVar variation 4803438 (VCV004803438.1).

ClinVar aggregate classification (germline): Pathogenic (1 of 4 stars; one submission).

Conditions:
Fanconi anemia (FA). Also called: Fanconi's anemia. Identifiers: Orphanet 84, MedGen C0015625, MeSH D005199, MONDO:0019391.

Submission:

Labcorp Genetics (formerly Invitae), Labcorp
Classification: Pathogenic for Fanconi anemia. Last evaluated: 2025-02-17. Review status: criteria provided, single submitter. Criteria: Invitae Variant Classification Sherloc (09022015). Collection method: clinical testing. Allele origin: germline.
Comment: This sequence change creates a premature translational stop signal (p.His1585Glnfs*11) in the FANCM gene. It is expected to result in an absent or disrupted protein product. Loss-of-function variants in FANCM are known to be pathogenic (PMID: 29895858, 30075111). This variant is not present in population databases (gnomAD no frequency). This variant has not been reported in the literature in individuals affected with FANCM-related conditions. For these reasons, this variant has been classified as Pathogenic.

Literature cited by the submitters: PubMed 29895858; PubMed 30075111.